The following is an entry in ClinVar:

NM_001366207.1(DLG1):c.1085C>G (p.Ser362Cys)

Gene: DLG1 (discs large MAGUK scaffold protein 1; minus strand). Cytogenetic location: 3q29.
Variant type: single nucleotide variant.
Coding change: c.1085C>G on transcript NM_001366207.1 (MANE Select); coding-DNA position 1085, C replaced by G.
Protein change: p.Ser362Cys; replaces serine 362 with cysteine.
Molecular consequence: missense variant. On other transcripts: non-coding transcript variant (4).
Genome position (GRCh38, 1-based): chr3:197,130,607, G>C on the plus strand (C>G on the coding strand, the complement: DLG1 is on the minus strand). VCF-style: chr3-197130607-G-C. GRCh37 (hg19) VCF-style: chr3-196857478-G-C.
Other names: c.1184C>G, p.Ser395Cys (NM_001098424.1, NM_001290983.2, NM_001366214.1 and 2 more transcripts); c.1085C>G, p.Ser362Cys (NM_001204386.1, NM_001363865.1, NM_001366204.1 and 9 more transcripts); c.836C>G, p.Ser279Cys (NM_001204387.2, NM_001204388.2); c.1031C>G, p.Ser344Cys (NM_001366203.1, NM_001366206.1, NM_001366216.1 and 2 more transcripts); c.935C>G, p.Ser312Cys (NM_001366221.1, NM_001366222.1); short protein forms S279C, S312C, S344C, S362C, S395C.
Identifiers: ClinVar variation 3039431 (VCV003039431.2), dbSNP rs571186311, ClinGen allele CA2785568.
Genomic context (GRCh38, chr3:197,130,607, plus strand): 5'-GCATAGCCATCATTCATATACATACTTGTGGGTTTTGCCACTTTCAAATAAACAAAATCA[G>C]ATGTGTTCTTTAAGGCAGTTACTGCTTCTTCATGAGTAACTTCTTCTAAACATACGTTAT-3'
Protein context (NP_001353136.1, residues 352-372): EEAVTALKNT[Ser362Cys]DFVYLKVAKP

ClinVar aggregate classification (germline): Likely benign (0 of 4 stars; one submission).

Conditions:
DLG1-related disorder. Also called: DLG1-related condition.

Allele frequency attached by ClinVar (database versions not stated): TOPMed 0.00004; gnomAD 0.00026; gnomAD exomes 0.00030; ExAC 0.00079; 1000 Genomes Project 30x 0.00219; 1000 Genomes Project 0.00260.
gnomAD v4.1: 502 of 1,611,438 alleles (0.031%); highest among the groups gnomAD compares: South Asian, 0.51%; 7 homozygotes.

Submission:

PreventionGenetics, part of Exact Sciences
Classification: Likely benign for DLG1-related condition. Last evaluated: 2020-09-29. Review status: no assertion criteria provided. Collection method: clinical testing. Allele origin: germline.
Comment: This variant is classified as likely benign based on ACMG/AMP sequence variant interpretation guidelines (Richards et al. 2015 PMID: 25741868, with internal and published modifications).